The following is an entry in ClinVar:

ClinVar aggregate classification (germline): Benign/Likely benign. Review status: criteria provided, multiple submitters, no conflicts (2 of 4 stars). 4 submissions from 4 submitters: Benign (1); Likely benign (3). Last evaluated 2025-08-30.

Conditions:
Fanconi anemia complementation group J. Also called: BRIP1-Related Fanconi Anemia. Identifiers: Orphanet 84, MedGen C1836860, MONDO:0012187, OMIM 609054.
Familial cancer of breast. Also called: BREAST CANCER, FAMILIAL; hereditary breast carcinoma; Hereditary breast cancer. Identifiers: Orphanet 227535, MedGen C0346153, MONDO:0016419, OMIM 114480. Disease mechanism: loss of function.
Hereditary cancer-predisposing syndrome. Also called: Tumor predisposition; Neoplastic Syndromes, Hereditary; Hereditary Cancer Syndrome; Hereditary neoplastic syndrome. Identifiers: Orphanet 140162, MedGen C0027672, MeSH D009386, MONDO:0015356.

Allele frequency attached by ClinVar (database versions not stated): gnomAD exomes below 0.00001.
gnomAD v4.1: 2 of 1,613,462 alleles (0.00012%); highest among the groups gnomAD compares: Non-Finnish European, 0.00017%; no homozygotes.

Submissions (4):

Labcorp Genetics (formerly Invitae), Labcorp
Classification: Likely benign for Familial cancer of breast; Fanconi anemia complementation group J. Last evaluated: 2025-08-30. Review status: criteria provided, single submitter. Criteria: Invitae Variant Classification Sherloc (09022015). Collection method: clinical testing. Allele origin: germline.

Myriad Genetics, Inc.
Classification: Benign for Familial cancer of breast. Last evaluated: 2024-08-09. Review status: criteria provided, single submitter. Criteria: Myriad Autosomal Dominant, Autosomal Recessive and X-Linked Classification Criteria (2023). Collection method: clinical testing. Allele origin: unknown.
Comment: This variant is considered benign. This variant is a silent/synonymous amino acid change and it is not expected to impact splicing.

Ambry Genetics
Classification: Likely benign for Hereditary cancer-predisposing syndrome. Last evaluated: 2019-04-03. Review status: criteria provided, single submitter. Criteria: Ambry Variant Classification Scheme 2023. Collection method: clinical testing. Allele origin: germline.

Color Diagnostics, LLC DBA Color Health
Classification: Likely benign for Hereditary cancer-predisposing syndrome. Last evaluated: 2017-10-23. Review status: criteria provided, single submitter. Criteria: ACMG Guidelines, 2015. Collection method: clinical testing. Allele origin: germline.

NM_032043.3(BRIP1):c.183A>G (p.Leu61=)

Gene: BRIP1 (BRCA1 interacting DNA helicase 1; minus strand). Cytogenetic location: 17q23.2.
Variant type: single nucleotide variant.
Coding change: c.183A>G on transcript NM_032043.3 (MANE Select); coding-DNA position 183, A replaced by G.
Protein change: p.Leu61=; no amino-acid change (leucine 61 retained).
Molecular consequence: synonymous variant.
Genome position (GRCh38, 1-based): chr17:61,859,818, T>C on the plus strand (A>G on the coding strand, the complement: BRIP1 is on the minus strand). VCF-style: chr17-61859818-T-C. GRCh37 (hg19) VCF-style: chr17-59937179-T-C.
Identifiers: ClinVar variation 491416 (VCV000491416.18), dbSNP rs1555618384, ClinGen allele CA501151625.